The following is an entry in ClinVar:

ClinVar aggregate classification (germline): Uncertain significance (1 of 4 stars; one submission).

Conditions:
Intellectual developmental disorder, X-linked 1. Also called: Atkin Flaitz Patil Smith syndrome; MENTAL RETARDATION, X-LINKED 18; MENTAL RETARDATION, X-LINKED 78; Intellectual disability, X-linked 1. Identifiers: Orphanet 777, MedGen C2931498, MONDO:0010656, OMIM 309530.

Allele frequency attached by ClinVar (database versions not stated): gnomAD exomes 0.00001; TOPMed below 0.00001; ExAC 0.00002; gnomAD 0.00001; ESP Exome Variant Server 0.00009.
gnomAD v4.1: 2 of 1,206,373 alleles (0.00017%); highest among the groups gnomAD compares: Non-Finnish European, 0.00022%; no homozygotes.

Submission:

Labcorp Genetics (formerly Invitae), Labcorp
Classification: Uncertain significance for Intellectual developmental disorder, X-linked 1. Last evaluated: 2019-07-05. Review status: criteria provided, single submitter. Criteria: Invitae Variant Classification Sherloc (09022015). Collection method: clinical testing. Allele origin: germline.
Comment: Algorithms developed to predict the effect of sequence changes on RNA splicing suggest that this variant may create or strengthen a splice site, but this prediction has not been confirmed by published transcriptional studies. In summary, the available evidence is currently insufficient to determine the role of this variant in disease. Therefore, it has been classified as a Variant of Uncertain Significance. This sequence change replaces aspartic acid with valine at codon 1127 of the IQSEC2 protein (p.Asp1127Val). The aspartic acid residue is moderately conserved and there is a large physicochemical difference between aspartic acid and valine. This variant is present in population databases (rs144128848, ExAC 0.003%). This variant has not been reported in the literature in individuals with IQSEC2-related conditions. Algorithms developed to predict the effect of missense changes on protein structure and function are either unavailable or do not agree on the potential impact of this missense change (SIFT: "Deleterious"; PolyPhen-2: "Probably Damaging"; Align-GVGD: "Class C0").

NM_001111125.3(IQSEC2):c.3380A>T (p.Asp1127Val)

Gene: IQSEC2 (IQ motif and Sec7 domain ArfGEF 2; minus strand). Cytogenetic location: Xp11.22.
Variant type: single nucleotide variant.
Coding change: c.3380A>T on transcript NM_001111125.3 (MANE Select); coding-DNA position 3380, A replaced by T.
Protein change: p.Asp1127Val; replaces aspartic acid 1127 with valine.
Molecular consequence: missense variant.
Genome position (GRCh38, 1-based): chrX:53,236,393, T>A on the plus strand (A>T on the coding strand, the complement: IQSEC2 is on the minus strand). VCF-style: chrX-53236393-T-A. GRCh37 (hg19) VCF-style: chrX-53265575-T-A.
Other names: c.2765A>T, p.Asp922Val (NM_015075.2); short protein forms D1127V, D922V.
Identifiers: ClinVar variation 951023 (VCV000951023.10), dbSNP rs144128848, ClinGen allele CA10419809.